The following is an entry in ClinVar:

NM_018294.6(CWF19L1):c.1523G>A (p.Trp508Ter)

Genes: CHUK-DT (CHUK divergent transcript; plus strand), CWF19L1 (CWF19 like cell cycle control factor 1; minus strand). Cytogenetic location: 10q24.31.
Variant type: single nucleotide variant.
Coding change: c.1523G>A on transcript NM_018294.6 (MANE Select); coding-DNA position 1523, G replaced by A.
Protein change: p.Trp508Ter; replaces tryptophan 508 with a stop codon.
Molecular consequence: nonsense.
Genome position (GRCh38, 1-based): chr10:100,233,321, C>T on the plus strand (G>A on the coding strand, the complement: CWF19L1 is on the minus strand). VCF-style: chr10-100233321-C-T. GRCh37 (hg19) VCF-style: chr10-101993078-C-T.
Other names: c.1403G>A, p.Trp468Ter (NM_001303404.2); c.1112G>A, p.Trp371Ter (NM_001303405.2, NM_001303406.2); c.788G>A, p.Trp263Ter (NM_001303407.2); short protein forms W263*, W371*, W468*, W508*.
Identifiers: ClinVar variation 1678602 (VCV001678602.2), dbSNP rs2134268636, ClinGen allele CA378158428.

ClinVar aggregate classification (germline): Uncertain significance (1 of 4 stars; one submission).

Conditions:
Autosomal recessive spinocerebellar ataxia 17. Identifiers: Orphanet 453521, MedGen C4015301, MONDO:0014503, OMIM 616127.

gnomAD v4.1: 1 of 1,613,960 alleles (0.000062%); highest among the groups gnomAD compares: Admixed American, 0.0017%; no homozygotes.

Submission:

Molecular Genetics, Royal Melbourne Hospital
Classification: Uncertain significance for Autosomal recessive spinocerebellar ataxia 17. Last evaluated: 2022-04-22. Review status: criteria provided, single submitter. Criteria: ACMG Guidelines, 2015. Collection method: clinical testing. Allele origin: germline. Affected: yes.
Comment: This sequence change creates a premature termination codon at position 508 in exon 14 (of 14) of CWF19L1, p.(Trp508*). It is not anticipated to result in nonsense mediated decay, and is expected to remove the last 31 amino acids in a region with an unknown role. Loss of function is a reported mechanism of disease for this gene, but no pathogenic variants have been reported downstream of this variant (PVS1_Moderate; ClinVar). The variant is absent in a large population cohort (PM2; gnomAD v2.1 and v3.0), and has not been reported in the relevant medical literature or databases. Based on the classification scheme RMH ACMG Guidelines v1.2.1, this variant is classified as a VARIANT OF UNCERTAIN SIGNIFICANCE. Following criteria are met: PVS1_Moderate, PM2.